The following is an entry in ClinVar:

NM_000548.5(TSC2):c.1085T>C (p.Leu362Pro)

Gene: TSC2 (TSC complex subunit 2; plus strand). Cytogenetic location: 16p13.3.
Variant type: single nucleotide variant.
Coding change: c.1085T>C on transcript NM_000548.5 (MANE Select); coding-DNA position 1085, T replaced by C.
Protein change: p.Leu362Pro; replaces leucine 362 with proline.
Molecular consequence: missense variant.
Genome position (GRCh38, 1-based): chr16:2,060,779, T>C. VCF-style: chr16-2060779-T-C. GRCh37 (hg19) VCF-style: chr16-2110780-T-C.
Other names: c.1085T>C, p.Leu362Pro (NM_001077183.3, NM_001114382.3, NM_001363528.2 and 3 more transcripts); c.974T>C, p.Leu325Pro (NM_001318827.2); c.938T>C, p.Leu313Pro (NM_001318829.2); c.485T>C, p.Leu162Pro (NM_001318831.2); c.1118T>C, p.Leu373Pro (NM_001318832.2); short protein forms L362P, L313P, L325P, L373P, L162P.
Identifiers: ClinVar variation 49140 (VCV000049140.14), dbSNP rs137854345, ClinGen allele CA013704.
Genomic context (GRCh38, chr16:2,060,779, plus strand): 5'-TCACCAGGCTCATCAAGAAGTATAGGAAGGAGCTCCAGGTGGTGGCGTGGGACATTCTGC[T>C]GAACATCATCGAACGGCTCCTTCAGCAGCTCCAGGTGGGGTGGGGGCAGGAGCTCCGGGG-3'
Protein context (NP_000539.2, residues 352-372): ELQVVAWDIL[Leu362Pro]NIIERLLQQL

ClinVar aggregate classification (germline): Pathogenic/Likely pathogenic. Review status: criteria provided, multiple submitters, no conflicts (2 of 4 stars). 3 submissions from 3 submitters: Pathogenic (1); Likely pathogenic (1). 1 of the submissions does not count toward it. Last evaluated 2025-08-21.

Conditions:
Tuberous sclerosis 2 (TSC2). Identifiers: Orphanet 805, MedGen C1860707, MONDO:0013199, OMIM 613254.
Tuberous sclerosis syndrome (TSC). Also called: Tuberous Sclerosis Complex; Tuberous sclerosis. Identifiers: Orphanet 805, MedGen C0041341, MONDO:0001734.

Submissions (3):

Labcorp Genetics (formerly Invitae), Labcorp
Classification: Pathogenic for Tuberous sclerosis 2. Last evaluated: 2025-08-21. Review status: criteria provided, single submitter. Criteria: Invitae Variant Classification Sherloc (09022015). Collection method: clinical testing. Allele origin: germline.
Comment: This sequence change replaces leucine, which is neutral and non-polar, with proline, which is neutral and non-polar, at codon 362 of the TSC2 protein (p.Leu362Pro). This variant is not present in population databases (gnomAD no frequency). This missense change has been observed in individual(s) with tuberous sclerosis complex (PMID: 32461669; internal data). In at least one individual the variant was observed to be de novo. ClinVar contains an entry for this variant (Variation ID: 49140). Invitae Evidence Modeling of protein sequence and biophysical properties (such as structural, functional, and spatial information, amino acid conservation, physicochemical variation, residue mobility, and thermodynamic stability) indicates that this missense variant is not expected to disrupt TSC2 protein function with a negative predictive value of 95%. For these reasons, this variant has been classified as Pathogenic.

GeneDx
Classification: Likely pathogenic. Last evaluated: 2023-01-23. Review status: criteria provided, single submitter. Criteria: GeneDx Variant Classification Process June 2021. Collection method: clinical testing. Allele origin: germline. Affected: yes.
Comment: Identified in a patient with tuberous sclerosis complex in published literature (Ogrek et al., 2020); Not observed at significant frequency in large population cohorts (gnomAD); In silico analysis supports that this missense variant has a deleterious effect on protein structure/function; This variant is associated with the following publications: (PMID: 23514105, 32461669, 27493206, 18466115)

Tuberous sclerosis database (TSC2)
No classification provided. Condition: TSC. Review status: no classification provided. Criteria: Tuberous Sclerosis Database Assertion Criteria 2015. Collection method: curation. Allele origin: germline. Affected: yes. Not counted in ClinVar's aggregate classification.

Literature cited by the submitters: PubMed 32461669 (cited by Labcorp Genetics (formerly Invitae), Labcorp).